The following is an entry in ClinVar:

NM_000053.4(ATP7B):c.2869C>T (p.Pro957Ser)

Gene: ATP7B (ATPase copper transporting beta; minus strand). Cytogenetic location: 13q14.3.
Variant type: single nucleotide variant.
Coding change: c.2869C>T on transcript NM_000053.4 (MANE Select); coding-DNA position 2869, C replaced by T.
Protein change: p.Pro957Ser; replaces proline 957 with serine.
Molecular consequence: missense variant. On other transcripts: intron variant (6).
Genome position (GRCh38, 1-based): chr13:51,946,475, G>A on the plus strand (C>T on the coding strand, the complement: ATP7B is on the minus strand). VCF-style: chr13-51946475-G-A. GRCh37 (hg19) VCF-style: chr13-52520611-G-A.
Other names: c.2248C>T, p.Pro750Ser (NM_001005918.3); c.2536C>T, p.Pro846Ser (NM_001243182.2); c.2635C>T, p.Pro879Ser (NM_001330578.2, NM_001406527.1, NM_001406528.1 and 1 more transcripts); c.2617C>T, p.Pro873Ser (NM_001330579.2, NM_001406531.1, NM_001406532.1); c.2869C>T, p.Pro957Ser (NM_001406511.1, NM_001406512.1, NM_001406513.1 and 2 more transcripts); c.2836C>T, p.Pro946Ser (NM_001406514.1); c.2815C>T, p.Pro939Ser (NM_001406515.1, NM_001406516.1); c.2773C>T, p.Pro925Ser (NM_001406517.1, NM_001406518.1); and 18 more; short protein forms P527S, P741S, P750S, P763S, P795S, P814S, P841S, P846S.
Identifiers: ClinVar variation 3075605 (VCV003075605.2), dbSNP rs759416152, ClinGen allele CA6988875.

ClinVar aggregate classification (germline): Conflicting classifications of pathogenicity. Review status: criteria provided, conflicting classifications (1 of 4 stars). 2 submissions from 2 submitters: Uncertain significance (1); Likely benign (1). Last evaluated 2025-07-29.

Conditions:
Wilson disease (WND). Also called: Wilson's disease. Identifiers: Orphanet 905, MedGen C0019202, MONDO:0010200, OMIM 277900. Disease mechanism: loss of function.

Allele frequency attached by ClinVar (database versions not stated): gnomAD exomes below 0.00001; gnomAD 0.00001; TOPMed 0.00001; ExAC 0.00003.
gnomAD v4.1: 9 of 1,614,048 alleles (0.00056%); highest among the groups gnomAD compares: South Asian, 0.0011%; no homozygotes.

Submissions (2):

Color Diagnostics, LLC DBA Color Health
Classification: Likely benign for Wilson disease. Last evaluated: 2025-07-29. Review status: criteria provided, single submitter. Criteria: ACMG Guidelines, 2015. Collection method: clinical testing. Allele origin: germline.

All of Us Research Program, National Institutes of Health
Classification: Uncertain significance for Wilson disease. Last evaluated: 2024-02-05. Review status: criteria provided, single submitter. Criteria: ACMG Guidelines, 2015. Collection method: clinical testing. Allele origin: germline. Inheritance: Autosomal recessive inheritance. Observed: 3 variant alleles, 3 heterozygotes.
Comment: This missense variant replaces proline with serine at codon 957 of the ATP7B protein. Computational prediction suggests that this variant may not impact protein structure and function (internally defined REVEL score threshold <= 0.5, PMID: 27666373). To our knowledge, functional studies have not been reported for this variant. This variant has not been reported in individuals affected with Wilson disease in the literature. This variant has been identified in 2/249350 chromosomes in the general population by the Genome Aggregation Database (gnomAD). The available evidence is insufficient to determine the role of this variant in disease conclusively. Therefore, this variant is classified as a Variant of Uncertain Significance.

This study involves interpretation of variants in research participants for the purpose of population health screening. Participant phenotype was not available at the time of variant classification. Additional details can be found in publication PMID: 35346344, PMCID: PMC8962531